The following is an entry in ClinVar:

ClinVar aggregate classification (germline): Benign. Review status: criteria provided, multiple submitters, no conflicts (2 of 4 stars). 5 submissions from 5 submitters: Benign (4). 1 of the submissions does not count toward it. Last evaluated 2022-03-24.

Conditions:
Neuronopathy, distal hereditary motor, type 9. Also called: NEURONOPATHY, DISTAL HEREDITARY MOTOR, TYPE IX; NEUROPATHY, DISTAL HEREDITARY MOTOR, TYPE IX; NEURONOPATHY, DISTAL HEREDITARY MOTOR, AUTOSOMAL DOMINANT 9. Identifiers: MedGen C4540265, MONDO:0060585, OMIM 617721.
WARS1-related disorder. Also called: WARS1-related condition.

Allele frequency attached by ClinVar (database versions not stated): ESP Exome Variant Server 0.65854; gnomAD 0.68419 and 0.67569; 1000 Genomes Project 30x 0.68973; gnomAD exomes 0.73987 and 0.75651; ExAC 0.74642; 1000 Genomes Project 0.69269; TOPMed 0.67999.
gnomAD v4.1: 1,185,378 of 1,613,524 alleles (73%); highest among the groups gnomAD compares: Admixed American, 84%; 438,903 homozygotes.

Submissions (5):

Mayo Clinic Laboratories, Mayo Clinic
Classification: Benign. Last evaluated: 2022-03-24. Review status: criteria provided, single submitter. Criteria: ACMG Guidelines, 2015. Collection method: clinical testing. Allele origin: germline. Observed: 736 variant alleles.

Genome-Nilou Lab
Classification: Benign for Neuronopathy, distal hereditary motor, type 9. Last evaluated: 2021-12-05. Review status: criteria provided, single submitter. Criteria: ACMG Guidelines, 2015. Collection method: clinical testing. Allele origin: germline. Affected: no.

GeneDx
Classification: Benign. Last evaluated: 2021-05-05. Review status: criteria provided, single submitter. Criteria: GeneDx Variant Classification Process June 2021. Collection method: clinical testing. Allele origin: germline. Affected: yes.

Breakthrough Genomics
Classification: Benign. Review status: criteria provided, single submitter. Criteria: ACMG Guidelines, 2015. Collection method: not provided. Allele origin: germline. Inheritance: Autosomal dominant inheritance. Affected: yes.

PreventionGenetics, part of Exact Sciences
Classification: Benign for WARS1-related condition. Last evaluated: 2019-10-17. Review status: no assertion criteria provided. Collection method: clinical testing. Allele origin: germline. Not counted in ClinVar's aggregate classification.
Comment: This variant is classified as benign based on ACMG/AMP sequence variant interpretation guidelines (Richards et al. 2015 PMID: 25741868, with internal and published modifications).

NM_004184.4(WARS1):c.1003C>T (p.Leu335=)

Gene: WARS1 (tryptophanyl-tRNA synthetase 1; minus strand). Cytogenetic location: 14q32.2.
Variant type: single nucleotide variant.
Coding change: c.1003C>T on transcript NM_004184.4 (MANE Select); coding-DNA position 1003, C replaced by T.
Protein change: p.Leu335=; no amino-acid change (leucine 335 retained).
Molecular consequence: synonymous variant.
Genome position (GRCh38, 1-based): chr14:100,342,508, G>A on the plus strand (C>T on the coding strand, the complement: WARS1 is on the minus strand). VCF-style: chr14-100342508-G-A. GRCh37 (hg19) VCF-style: chr14-100808845-G-A.
Other names: p.Leu335=; c.1003C>T, p.Leu335= (NM_173701.2); c.880C>T, p.Leu294= (NM_213645.2, NM_213646.2).
Identifiers: ClinVar variation 1265241 (VCV001265241.7), dbSNP rs9453, ClinGen allele CA7345142.